The following is an entry in ClinVar:

NM_001220.5(CAMK2B):c.947-11G>A

Gene: CAMK2B (calcium/calmodulin dependent protein kinase II beta; minus strand). Cytogenetic location: 7p13.
Variant type: single nucleotide variant.
Coding change: c.947-11G>A on transcript NM_001220.5 (MANE Select); 11 bases into the intron before coding-DNA position 947, G replaced by A.
Molecular consequence: intron variant.
Genome position (GRCh38, 1-based): chr7:44,239,674, C>T on the plus strand (G>A on the coding strand, the complement: CAMK2B is on the minus strand). VCF-style: chr7-44239674-C-T. GRCh37 (hg19) VCF-style: chr7-44279273-C-T.
Other names: c.946+1033G>A (NM_172084.3, NM_172080.3, NM_172083.3 and 2 more transcripts); c.947-11G>A (NM_172082.3, NM_001293170.2, NM_172078.3).
Identifiers: ClinVar variation 2777465 (VCV002777465.5), dbSNP rs1408614185, ClinGen allele CA1703681817.

ClinVar aggregate classification (germline): Uncertain significance. Review status: criteria provided, multiple submitters, no conflicts (2 of 4 stars). 2 submissions from 2 submitters: Uncertain significance (2). Last evaluated 2024-02-23.

Submissions (3):

Labcorp Genetics (formerly Invitae), Labcorp
Classification: Uncertain significance. Last evaluated: 2024-02-23. Review status: criteria provided, single submitter. Criteria: Invitae Variant Classification Sherloc (09022015). Collection method: clinical testing. Allele origin: germline.
Comment: This sequence change falls in intron 12 of the CAMK2B gene. It does not directly change the encoded amino acid sequence of the CAMK2B protein. This variant is not present in population databases (gnomAD no frequency). This variant has not been reported in the literature in individuals affected with CAMK2B-related conditions. Algorithms developed to predict the effect of sequence changes on RNA splicing suggest that this variant may disrupt the consensus splice site. In summary, the available evidence is currently insufficient to determine the role of this variant in disease. Therefore, it has been classified as a Variant of Uncertain Significance.

Blueprint Genetics
Classification: Uncertain significance. Last evaluated: 2022-12-23. Review status: criteria provided, single submitter. Criteria: ACMG Guidelines, 2015. Collection method: clinical testing. Allele origin: germline.

Dr. Peter K. Rogan Lab, Western University
No classification provided (evidence only). Condition: Ovarian serous cystadenocarcinoma. Review status: no classification provided. Collection method: in vitro. Allele origin: not applicable. Functional consequence: skipped exon, retained intron. Not counted in ClinVar's aggregate classification.